The following is an entry in ClinVar:

ClinVar aggregate classification (germline): Uncertain significance (1 of 4 stars; one submission).

Conditions:
Leukocyte adhesion deficiency 3. Also called: INTEGRIN ACTIVATION DEFICIENCY DISEASE; LEUKOCYTE ADHESION DEFICIENCY 1 VARIANT; Leukocyte adhesion deficiency, type III. Identifiers: Orphanet 2968, Orphanet 99844, MedGen C2748536, MONDO:0013016, OMIM 612840.

Allele frequency attached by ClinVar (database versions not stated): ExAC 0.00001; gnomAD 0.00001; gnomAD exomes 0.00001; TOPMed 0.00001.

Submission:

Labcorp Genetics (formerly Invitae), Labcorp
Classification: Uncertain significance for Leukocyte adhesion deficiency 3. Last evaluated: 2022-08-16. Review status: criteria provided, single submitter. Criteria: Invitae Variant Classification Sherloc (09022015). Collection method: clinical testing. Allele origin: germline.
Comment: This variant has not been reported in the literature in individuals affected with FERMT3-related conditions. ClinVar contains an entry for this variant (Variation ID: 1423394). Algorithms developed to predict the effect of missense changes on protein structure and function are either unavailable or do not agree on the potential impact of this missense change (SIFT: "Deleterious"; PolyPhen-2: "Possibly Damaging"; Align-GVGD: "Class C0"). In summary, the available evidence is currently insufficient to determine the role of this variant in disease. Therefore, it has been classified as a Variant of Uncertain Significance. This variant is present in population databases (rs763268722, gnomAD 0.007%). This sequence change replaces aspartic acid, which is acidic and polar, with asparagine, which is neutral and polar, at codon 548 of the FERMT3 protein (p.Asp548Asn).

NM_031471.6(FERMT3):c.1642G>A (p.Asp548Asn)

Gene: FERMT3 (FERM domain containing kindlin 3; plus strand). Cytogenetic location: 11q13.1.
Variant type: single nucleotide variant.
Coding change: c.1642G>A on transcript NM_031471.6 (MANE Select); coding-DNA position 1642, G replaced by A.
Protein change: p.Asp548Asn; replaces aspartic acid 548 with asparagine.
Molecular consequence: missense variant.
Genome position (GRCh38, 1-based): chr11:64,221,112, G>A. VCF-style: chr11-64221112-G-A. GRCh37 (hg19) VCF-style: chr11-63988584-G-A.
Other names: c.1642G>A, p.Asp548Asn (NM_001382361.1, NM_001382448.1); c.1654G>A, p.Asp552Asn (NM_001382362.1, NM_178443.3); c.1102G>A, p.Asp368Asn (NM_001382363.1); c.1114G>A, p.Asp372Asn (NM_001382364.1); short protein forms D368N, D372N, D548N, D552N.
Identifiers: ClinVar variation 1423394 (VCV001423394.6), dbSNP rs763268722, ClinGen allele CA6069233.